The following is an entry in ClinVar:

NM_000535.7(PMS2):c.2043G>C (p.Gln681His)

Gene: PMS2 (PMS1 homolog 2, mismatch repair system component; minus strand). Cytogenetic location: 7p22.1.
Variant type: single nucleotide variant.
Coding change: c.2043G>C on transcript NM_000535.7 (MANE Select); coding-DNA position 2043, G replaced by C.
Protein change: p.Gln681His; replaces glutamine 681 with histidine.
Molecular consequence: missense variant. On other transcripts: non-coding transcript variant (1), intron variant (4).
Genome position (GRCh38, 1-based): chr7:5,982,955, C>G on the plus strand (G>C on the coding strand, the complement: PMS2 is on the minus strand). VCF-style: chr7-5982955-C-G. GRCh37 (hg19) VCF-style: chr7-6022586-C-G.
Other names: c.1638G>C, p.Gln546His (NM_001018040.1, NM_001322003.2, NM_001322004.2 and 15 more transcripts); c.1887G>C, p.Gln629His (NM_001322006.2, NM_001406870.1); c.1725G>C, p.Gln575His (NM_001322007.2, NM_001322008.2, NM_001406876.1 and 1 more transcripts); c.1482G>C, p.Gln494His (NM_001322010.2, NM_001406906.1, NM_001406907.1); c.1110G>C, p.Gln370His (NM_001322011.2, NM_001322012.2); c.1470G>C, p.Gln490His (NM_001322013.2, NM_001406909.1); c.2043G>C, p.Gln681His (NM_001322014.2, NM_001406871.1); c.1734G>C, p.Gln578His (NM_001322015.2, NM_001406875.1, NM_001406877.1 and 5 more transcripts); and 16 more; short protein forms Q494H, Q559H, Q615H, Q689H, Q280H, Q370H, Q645H, Q743H.
Identifiers: ClinVar variation 2624749 (VCV002624749.4), dbSNP rs876658953, ClinGen allele CA366738120.

ClinVar aggregate classification (germline): Uncertain significance. Review status: criteria provided, multiple submitters, no conflicts (2 of 4 stars). 3 submissions from 3 submitters: Uncertain significance (3). Last evaluated 2025-06-30.

Conditions:
Hereditary cancer-predisposing syndrome. Also called: Tumor predisposition; Hereditary Cancer Syndrome; Hereditary neoplastic syndrome; Neoplastic Syndromes, Hereditary. Identifiers: Orphanet 140162, MedGen C0027672, MeSH D009386, MONDO:0015356.
Lynch syndrome 4 (LYNCH4). Also called: Hereditary non-polyposis colorectal cancer, type 4; Colorectal cancer, hereditary nonpolyposis, type 4. Identifiers: Orphanet 144, MedGen C1838333, MONDO:0013699, OMIM 614337. Disease mechanism: loss of function.

Submissions (3):

Color Diagnostics, LLC DBA Color Health
Classification: Uncertain significance for Hereditary cancer-predisposing syndrome. Last evaluated: 2025-06-30. Review status: criteria provided, single submitter. Criteria: ACMG Guidelines, 2015. Collection method: clinical testing. Allele origin: germline.
Comment: This missense variant replaces glutamine with histidine at codon 681 of the PMS2 protein. Computational prediction suggests that this variant may have deleterious impact on protein structure and function. To our knowledge, functional studies have not been reported for this variant. This variant has not been reported in individuals affected with PMS2-related disorders in the literature. This variant has not been identified in the general population by the Genome Aggregation Database (gnomAD). The available evidence is insufficient to determine the role of this variant in disease conclusively. Therefore, this variant is classified as a Variant of Uncertain Significance.

Baylor Genetics
Classification: Uncertain significance for Lynch syndrome 4. Last evaluated: 2023-08-30. Review status: criteria provided, single submitter. Criteria: ACMG Guidelines, 2015. Collection method: clinical testing. Allele origin: unknown.

Ambry Genetics
Classification: Uncertain significance for Hereditary cancer-predisposing syndrome. Last evaluated: 2023-08-26. Review status: criteria provided, single submitter. Criteria: Ambry Variant Classification Scheme 2023. Collection method: clinical testing. Allele origin: germline.
Comment: The p.Q681H variant (also known as c.2043G>C), located in coding exon 12 of the PMS2 gene, results from a G to C substitution at nucleotide position 2043. The glutamine at codon 681 is replaced by histidine, an amino acid with highly similar properties. This amino acid position is highly conserved in available vertebrate species. In addition, this alteration is predicted to be deleterious by in silico analysis. Since supporting evidence is limited at this time, the clinical significance of this alteration remains unclear.